The following is an entry in ClinVar:

ClinVar aggregate classification (germline): Uncertain significance (1 of 4 stars; one submission).

Conditions:
Familial hemophagocytic lymphohistiocytosis 5. Also called: STXBP2-Related Familial Hemophagocytic Lymphohistiocytosis (STXBP2-fHLH). Identifiers: Orphanet 540, MedGen C2751293, MONDO:0013135, OMIM 613101.

gnomAD v4.1: 1 of 1,614,224 alleles (0.000062%); highest among the groups gnomAD compares: Admixed American, 0.0017%; no homozygotes.

Submission:

Labcorp Genetics (formerly Invitae), Labcorp
Classification: Uncertain significance for Familial hemophagocytic lymphohistiocytosis 5. Last evaluated: 2022-08-24. Review status: criteria provided, single submitter. Criteria: Invitae Variant Classification Sherloc (09022015). Collection method: clinical testing. Allele origin: germline.
Comment: This sequence change replaces glutamic acid, which is acidic and polar, with aspartic acid, which is acidic and polar, at codon 112 of the STXBP2 protein (p.Glu112Asp). This variant is present in population databases (no rsID available, gnomAD 0.003%). This variant has not been reported in the literature in individuals affected with STXBP2-related conditions. Algorithms developed to predict the effect of missense changes on protein structure and function output the following: SIFT: "Tolerated"; PolyPhen-2: "Benign"; Align-GVGD: "Class C0". The aspartic acid amino acid residue is found in multiple mammalian species, which suggests that this missense change does not adversely affect protein function. Algorithms developed to predict the effect of sequence changes on RNA splicing suggest that this variant may create or strengthen a splice site. In summary, the available evidence is currently insufficient to determine the role of this variant in disease. Therefore, it has been classified as a Variant of Uncertain Significance.

NM_006949.4(STXBP2):c.336G>C (p.Glu112Asp)

Gene: STXBP2 (syntaxin binding protein 2; plus strand). Cytogenetic location: 19p13.2.
Variant type: single nucleotide variant.
Coding change: c.336G>C on transcript NM_006949.4 (MANE Select); coding-DNA position 336, G replaced by C.
Protein change: p.Glu112Asp; replaces glutamic acid 112 with aspartic acid.
Molecular consequence: missense variant. On other transcripts: non-coding transcript variant (1).
Genome position (GRCh38, 1-based): chr19:7,640,910, G>C. VCF-style: chr19-7640910-G-C. GRCh37 (hg19) VCF-style: chr19-7705796-G-C.
Other names: c.327G>C, p.Glu109Asp (NM_001127396.3); c.369G>C, p.Glu123Asp (NM_001272034.2); c.240G>C, p.Glu80Asp (NM_001414484.1); short protein forms E123D, E80D, E109D, E112D.
Identifiers: ClinVar variation 2009322 (VCV002009322.4), dbSNP rs751965889, ClinGen allele CA403157590.